The following is an entry in ClinVar:

NM_001360016.2(G6PD):c.1225C>T (p.Pro409Ser)

Gene: G6PD (glucose-6-phosphate dehydrogenase; minus strand). Cytogenetic location: Xq28.
Variant type: single nucleotide variant.
Coding change: c.1225C>T on transcript NM_001360016.2 (MANE Select); coding-DNA position 1225, C replaced by T.
Protein change: p.Pro409Ser; replaces proline 409 with serine.
Molecular consequence: missense variant.
Genome position (GRCh38, 1-based): chrX:154,532,629, G>A on the plus strand (C>T on the coding strand, the complement: G6PD is on the minus strand). VCF-style: chrX-154532629-G-A. GRCh37 (hg19) VCF-style: chrX-153760844-G-A.
Other names: G6PD Utrecht; c.1315C>T, p.Pro439Ser (NM_000402.4); c.1225C>T, p.Pro409Ser (NM_001042351.3); short protein forms P409S, P439S.
Identifiers: ClinVar variation 1722678 (VCV001722678.2), dbSNP rs2523262545, ClinGen allele CA415233941.

ClinVar aggregate classification (germline): Pathogenic (1 of 4 stars; one submission).

Conditions:
Anemia, nonspherocytic hemolytic, due to G6PD deficiency (CNSHA1). Also called: Hemolytic anemia due to G6PD deficiency; Class I glucose-6-phosphate dehydrogenase deficiency; Favism, susceptibility to; ANEMIA, CONGENITAL, NONSPHEROCYTIC HEMOLYTIC, 1. Identifiers: Orphanet 466026, MedGen C2720289, MONDO:0010480, OMIM 300908.

Submission:

Dunham Lab, University of Washington
Classification: Pathogenic for Anemia, nonspherocytic hemolytic, due to G6PD deficiency. Last evaluated: 2022-08-12. Review status: criteria provided, single submitter. Criteria: Bayesian ACMG Guidelines, 2018. Collection method: curation. Allele origin: de novo. Affected: yes.
Comment: Variant found in unrelated hemizygotes with deficiency and CNSHA (PS4_M, PP4). Decreased activity in red blood cells (PS3). Within dimer interface (PM1). Not found in gnomAD (PM2). Post_P 0.999 (odds of pathogenicity 13661, Prior_P 0.1).

Literature cited by the submitters: PubMed 14757424; PubMed 35695473.